The following is an entry in ClinVar:

ClinVar aggregate classification (germline): Pathogenic (1 of 4 stars; one submission).

Submission:

CeGaT Center for Human Genetics Tuebingen
Classification: Pathogenic. Last evaluated: 2026-01-01. Review status: criteria provided, single submitter. Criteria: CeGaT Center For Human Genetics Tuebingen Variant Classification Criteria Version 2. Collection method: clinical testing. Allele origin: germline. Affected: yes. Observed: 1 variant allele.
Comment: ATP2B2: PVS1, PM2

NM_001001331.4(ATP2B2):c.2152del (p.Arg718fs)

Gene: ATP2B2 (ATPase plasma membrane Ca2+ transporting 2; minus strand). Cytogenetic location: 3p25.3.
Variant type: Deletion.
Coding change: c.2152del on transcript NM_001001331.4 (MANE Select); coding-DNA position 2152, one base deleted (C; older notation c.2152delC).
Protein change: p.Arg718fs; shifts the reading frame from arginine 718.
Molecular consequence: frameshift variant.
Genome position (GRCh38, 1-based): chr3:10,350,562, G deleted on the plus strand (C on the coding strand, the reverse complement: ATP2B2 is on the minus strand); the first of 2 consecutive G bases (chr3:10,350,562-10,350,563); deleting either gives the same sequence. VCF-style (leftmost placement, unchanged base first): chr3-10350561-CG-C. GRCh37 (hg19) VCF-style: chr3-10392245-CG-C.
Other names: c.2017del, p.Arg673fs (NM_001330611.3, NM_001353564.1, NM_001363862.1 and 2 more transcripts); c.2059del, p.Arg687fs (NM_001438646.1); short protein forms R673fs, R687fs, R718fs.
Identifiers: ClinVar variation 4822875 (VCV004822875.4).